The following is an entry in ClinVar:

ClinVar aggregate classification (germline): Uncertain significance (1 of 4 stars; one submission).

Allele frequency attached by ClinVar (database versions not stated): gnomAD exomes 0.00008; ExAC 0.00015; 1000 Genomes Project 30x 0.00016; 1000 Genomes Project 0.00020; ESP Exome Variant Server 0.00025; gnomAD 0.00031 and 0.00032; TOPMed 0.00041.

Submission:

Labcorp Genetics (formerly Invitae), Labcorp
Classification: Uncertain significance. Last evaluated: 2022-09-09. Review status: criteria provided, single submitter. Criteria: Invitae Variant Classification Sherloc (09022015). Collection method: clinical testing. Allele origin: germline.
Comment: This sequence change replaces alanine, which is neutral and non-polar, with valine, which is neutral and non-polar, at codon 268 of the CARMIL2 protein (p.Ala268Val). This variant is present in population databases (rs373612610, gnomAD 0.08%). This variant has not been reported in the literature in individuals affected with CARMIL2-related conditions. ClinVar contains an entry for this variant (Variation ID: 1520131). Advanced modeling of protein sequence and biophysical properties (such as structural, functional, and spatial information, amino acid conservation, physicochemical variation, residue mobility, and thermodynamic stability) performed at Invitae indicates that this missense variant is not expected to disrupt CARMIL2 protein function. Algorithms developed to predict the effect of sequence changes on RNA splicing suggest that this variant may create or strengthen a splice site. In summary, the available evidence is currently insufficient to determine the role of this variant in disease. Therefore, it has been classified as a Variant of Uncertain Significance.

NM_001013838.3(CARMIL2):c.803C>T (p.Ala268Val)

Gene: CARMIL2 (capping protein regulator and myosin 1 linker 2; plus strand). Cytogenetic location: 16q22.1.
Variant type: single nucleotide variant.
Coding change: c.803C>T on transcript NM_001013838.3 (MANE Select); coding-DNA position 803, C replaced by T.
Protein change: p.Ala268Val; replaces alanine 268 with valine.
Molecular consequence: missense variant.
Genome position (GRCh38, 1-based): chr16:67,647,534, C>T. VCF-style: chr16-67647534-C-T. GRCh37 (hg19) VCF-style: chr16-67681437-C-T.
Other names: c.803C>T, p.Ala268Val (NM_001317026.3); short protein forms A268V.
Identifiers: ClinVar variation 1520131 (VCV001520131.5), dbSNP rs373612610, ClinGen allele CA8113229.